The following is an entry in ClinVar:

ClinVar aggregate classification (germline): Uncertain significance. Review status: criteria provided, multiple submitters, no conflicts (2 of 4 stars). 4 submissions from 4 submitters: Uncertain significance (2). 2 of the submissions do not count toward it. Last evaluated 2025-06-04.

Conditions:
VPS13B-related disorder. Also called: VPS13B-related condition.
Cohen syndrome (COH1). Also called: PEPPER SYNDROME; Cutis verticis gyrata, retinitis pigmentosa, and sensorineural deafness. Identifiers: Orphanet 193, MedGen C0265223, MONDO:0008999, OMIM 216550.

Allele frequency attached by ClinVar (database versions not stated): ESP Exome Variant Server 0.00015.
gnomAD v4.1: 26 of 1,614,080 alleles (0.0016%); highest among the groups gnomAD compares: Non-Finnish European, 0.002%; no homozygotes.

Submissions (4):

Athena Diagnostics
Classification: Uncertain significance. Last evaluated: 2025-06-04. Review status: criteria provided, single submitter. Criteria: Athena Diagnostics Criteria. Collection method: clinical testing. Allele origin: unknown.
Comment: Available data are insufficient to determine the clinical significance of the variant at this time. The frequency of this variant in the general population is uninformative in assessment of its pathogenicity. Polyphen and MutationTaster yielded discordant predictions regarding whether this amino acid change is damaging to the protein.

Labcorp Genetics (formerly Invitae), Labcorp
Classification: Uncertain significance for Cohen syndrome. Last evaluated: 2022-02-23. Review status: criteria provided, single submitter. Criteria: Invitae Variant Classification Sherloc (09022015). Collection method: clinical testing. Allele origin: germline.
Comment: This sequence change replaces valine, which is neutral and non-polar, with methionine, which is neutral and non-polar, at codon 840 of the VPS13B protein (p.Val840Met). This variant is present in population databases (rs141694201, gnomAD 0.002%). This variant has not been reported in the literature in individuals affected with VPS13B-related conditions. ClinVar contains an entry for this variant (Variation ID: 645108). Algorithms developed to predict the effect of missense changes on protein structure and function are either unavailable or do not agree on the potential impact of this missense change (SIFT: "Not Available"; PolyPhen-2: "Possibly Damaging"; Align-GVGD: "Not Available"). In summary, the available evidence is currently insufficient to determine the role of this variant in disease. Therefore, it has been classified as a Variant of Uncertain Significance.

PreventionGenetics, part of Exact Sciences
Classification: Uncertain significance for VPS13B-related condition. Last evaluated: 2023-12-19. Review status: no assertion criteria provided. Collection method: clinical testing. Allele origin: germline. Not counted in ClinVar's aggregate classification.
Comment: The VPS13B c.2518G>A variant is predicted to result in the amino acid substitution p.Val840Met. To our knowledge, this variant has not been reported in the literature. This variant is reported in 0.0018% of alleles in individuals of European (Non-Finnish) descent in gnomAD. At this time, the clinical significance of this variant is uncertain due to the absence of conclusive functional and genetic evidence.

Natera, Inc.
Classification: Uncertain significance for Cohen syndrome. Last evaluated: 2021-05-05. Review status: no assertion criteria provided. Collection method: clinical testing. Allele origin: germline. Not counted in ClinVar's aggregate classification.

NM_152564.5(VPS13B):c.2518G>A (p.Val840Met)

Gene: VPS13B (vacuolar protein sorting 13 homolog B; plus strand). Cytogenetic location: 8q22.2.
Variant type: single nucleotide variant.
Coding change: c.2518G>A on transcript NM_152564.5 (MANE Select); coding-DNA position 2518, G replaced by A.
Protein change: p.Val840Met; replaces valine 840 with methionine.
Molecular consequence: missense variant.
Genome position (GRCh38, 1-based): chr8:99,274,200, G>A. VCF-style: chr8-99274200-G-A. GRCh37 (hg19) VCF-style: chr8-100286428-G-A.
Other names: c.2518G>A, p.Val840Met (NM_017890.5); c.2518G>A (NM_152564.4); short protein forms V840M.
Identifiers: ClinVar variation 645108 (VCV000645108.9), dbSNP rs141694201, ClinGen allele CA4822948.